The following is an entry in ClinVar:

NM_000203.5(IDUA):c.973-2A>G

Gene: IDUA (alpha-L-iduronidase; plus strand). Cytogenetic location: 4p16.3.
Variant type: single nucleotide variant.
Coding change: c.973-2A>G on transcript NM_000203.5 (MANE Select); the canonical splice acceptor site of the intron before coding-DNA position 973, A replaced by G.
Molecular consequence: splice acceptor variant.
Genome position (GRCh38, 1-based): chr4:1,002,267, A>G. VCF-style: chr4-1002267-A-G. GRCh37 (hg19) VCF-style: chr4-996055-A-G.
Other names: c.577-2A>G (NM_001363576.1).
Identifiers: ClinVar variation 3653302 (VCV003653302.2).

ClinVar aggregate classification (germline): Likely pathogenic (1 of 4 stars; one submission).

Conditions:
Mucopolysaccharidosis type 1. Also called: IDUA deficiency; MPS I; Mucopolysaccharidosis Type I. Identifiers: Orphanet 579, MedGen C0023786, MONDO:0001586.

Submission:

Labcorp Genetics (formerly Invitae), Labcorp
Classification: Likely pathogenic for Mucopolysaccharidosis type 1. Last evaluated: 2024-06-11. Review status: criteria provided, single submitter. Criteria: Invitae Variant Classification Sherloc (09022015). Collection method: clinical testing. Allele origin: germline.
Comment: This sequence change affects an acceptor splice site in intron 7 of the IDUA gene. It is expected to disrupt RNA splicing. Variants that disrupt the donor or acceptor splice site typically lead to a loss of protein function (PMID: 16199547), and loss-of-function variants in IDUA are known to be pathogenic (PMID: 11735025, 21480867). This variant is not present in population databases (gnomAD no frequency). This variant has not been reported in the literature in individuals affected with IDUA-related conditions. Algorithms developed to predict the effect of sequence changes on RNA splicing suggest that this variant may disrupt the consensus splice site. In summary, the currently available evidence indicates that the variant is pathogenic, but additional data are needed to prove that conclusively. Therefore, this variant has been classified as Likely Pathogenic.

Literature cited by the submitters: PubMed 16199547; PubMed 11735025; PubMed 21480867.